The following is an entry in ClinVar:

ClinVar aggregate classification (germline): Uncertain significance (1 of 4 stars; one submission).

Submission:

Ambry Genetics
Classification: Uncertain significance. Last evaluated: 2025-03-15. Review status: criteria provided, single submitter. Criteria: Ambry Variant Classification Scheme 2023. Collection method: clinical testing. Allele origin: germline.
Comment: The p.E849D variant (also known as c.2547A>T), located in coding exon 13 of the GEN1 gene, results from an A to T substitution at nucleotide position 2547. The glutamic acid at codon 849 is replaced by aspartic acid, an amino acid with highly similar properties. This amino acid position is conserved. In addition, this alteration is predicted to be tolerated by in silico analysis. Based on the available evidence, the clinical significance of this variant remains unclear.

NM_001130009.3(GEN1):c.2547A>T (p.Glu849Asp)

Gene: GEN1 (GEN1 Holliday junction 5' flap endonuclease; plus strand). Cytogenetic location: 2p24.2.
Variant type: single nucleotide variant.
Coding change: c.2547A>T on transcript NM_001130009.3 (MANE Select); coding-DNA position 2547, A replaced by T.
Protein change: p.Glu849Asp; replaces glutamic acid 849 with aspartic acid.
Molecular consequence: missense variant.
Genome position (GRCh38, 1-based): chr2:17,781,759, A>T. VCF-style: chr2-17781759-A-T. GRCh37 (hg19) VCF-style: chr2-17963026-A-T.
Other names: c.2547A>T, p.Glu849Asp (NM_182625.5); short protein forms E849D.
Identifiers: ClinVar variation 4029147 (VCV004029147.1).
Genomic context (GRCh38, chr2:17,781,759, plus strand): 5'-ATCCCATTTCAAAGAAAGTGGCCATAACAAGTTGAGTAGCCCTAAGATACATATTAAAGA[A>T]ACTGAACAGTGTGTCAGATCTTATGAAACAGCTGAAAATGAAGAAAGCTGTTTCCCAGAT-3'
Protein context (NP_001123481.3, residues 839-859): KLSSPKIHIK[Glu849Asp]TEQCVRSYET